The following is an entry in ClinVar:

NM_012282.4(KCNE5):c.349G>A (p.Ala117Thr)

Gene: KCNE5 (potassium voltage-gated channel subfamily E regulatory subunit 5; minus strand). Cytogenetic location: Xq23.
Variant type: single nucleotide variant.
Coding change: c.349G>A on transcript NM_012282.4 (MANE Select); coding-DNA position 349, G replaced by A.
Protein change: p.Ala117Thr; replaces alanine 117 with threonine.
Molecular consequence: missense variant.
Genome position (GRCh38, 1-based): chrX:109,624,672, C>T on the plus strand (G>A on the coding strand, the complement: KCNE5 is on the minus strand). VCF-style: chrX-109624672-C-T. GRCh37 (hg19) VCF-style: chrX-108867901-C-T.
Other names: short protein forms A117T.
Identifiers: ClinVar variation 1053085 (VCV001053085.9), dbSNP rs951525284, ClinGen allele CA334283106.

ClinVar aggregate classification (germline): Uncertain significance (1 of 4 stars; one submission).

Conditions:
Brugada syndrome. Also called: Sudden unexpected nocturnal death syndrome; Sudden Unexplained Death Syndrome; Sudden Unexplained Nocturnal Death Syndrome (SUNDS); Sudden unexplained nocturnal death syndrome. Identifiers: Orphanet 130, MedGen C1142166, MONDO:0015263.

Allele frequency attached by ClinVar (database versions not stated): gnomAD exomes 0.00001.

Submission:

Labcorp Genetics (formerly Invitae), Labcorp
Classification: Uncertain significance for Brugada syndrome. Last evaluated: 2022-02-02. Review status: criteria provided, single submitter. Criteria: Invitae Variant Classification Sherloc (09022015). Collection method: clinical testing. Allele origin: germline.
Comment: This variant is not present in population databases (gnomAD no frequency). In summary, the available evidence is currently insufficient to determine the role of this variant in disease. Therefore, it has been classified as a Variant of Uncertain Significance. Algorithms developed to predict the effect of missense changes on protein structure and function output the following: SIFT: "Deleterious"; PolyPhen-2: "Benign"; Align-GVGD: "Class C0". The threonine amino acid residue is found in multiple mammalian species, which suggests that this missense change does not adversely affect protein function. ClinVar contains an entry for this variant (Variation ID: 1053085). This variant has not been reported in the literature in individuals affected with KCNE5-related conditions. This sequence change replaces alanine, which is neutral and non-polar, with threonine, which is neutral and polar, at codon 117 of the KCNE5 protein (p.Ala117Thr).